The following is an entry in ClinVar:

NM_001205293.3(CACNA1E):c.4355G>C (p.Ser1452Thr)

Gene: CACNA1E (calcium voltage-gated channel subunit alpha1 E; plus strand). Cytogenetic location: 1q25.3.
Variant type: single nucleotide variant.
Coding change: c.4355G>C on transcript NM_001205293.3 (MANE Select); coding-DNA position 4355, G replaced by C.
Protein change: p.Ser1452Thr; replaces serine 1452 with threonine.
Molecular consequence: missense variant.
Genome position (GRCh38, 1-based): chr1:181,757,972, G>C. VCF-style: chr1-181757972-G-C. GRCh37 (hg19) VCF-style: chr1-181727108-G-C.
Other names: c.4355G>C, p.Ser1452Thr (NM_000721.4); c.4298G>C, p.Ser1433Thr (NM_001205294.2); short protein forms S1433T, S1452T.
Identifiers: ClinVar variation 4800000 (VCV004800000.1).

ClinVar aggregate classification (germline): Uncertain significance (1 of 4 stars; one submission).

Submission:

Labcorp Genetics (formerly Invitae), Labcorp
Classification: Uncertain significance. Last evaluated: 2025-04-02. Review status: criteria provided, single submitter. Criteria: Invitae Variant Classification Sherloc (09022015). Collection method: clinical testing. Allele origin: germline.
Comment: This sequence change replaces serine, which is neutral and polar, with threonine, which is neutral and polar, at codon 1452 of the CACNA1E protein (p.Ser1452Thr). This variant is not present in population databases (gnomAD no frequency). This variant has not been reported in the literature in individuals affected with CACNA1E-related conditions. Invitae Evidence Modeling of protein sequence and biophysical properties (such as structural, functional, and spatial information, amino acid conservation, physicochemical variation, residue mobility, and thermodynamic stability) has been performed for this missense variant. However, the output from this modeling did not meet the statistical confidence thresholds required to predict the impact of this variant on CACNA1E protein function. In summary, the available evidence is currently insufficient to determine the role of this variant in disease. Therefore, it has been classified as a Variant of Uncertain Significance.